The following is an entry in ClinVar:

ClinVar aggregate classification (germline): Uncertain significance (1 of 4 stars; one submission).

Submission:

GeneDx
Classification: Uncertain significance. Last evaluated: 2024-10-21. Review status: criteria provided, single submitter. Criteria: GeneDx Variant Classification Process June 2021. Collection method: clinical testing. Allele origin: germline. Affected: yes.
Comment: Not observed at significant frequency in large population cohorts (gnomAD); Frameshift variant predicted to result in protein truncation or nonsense mediated decay in a gene or region of a gene for which loss of function is not a well-established mechanism of disease; Has not been previously published as pathogenic or benign to our knowledge; Variants in candidate genes are classified as variants of uncertain significance in accordance with ACMG guidelines (PMID: 25741868)

NM_024721.5(ZFHX4):c.869del (p.Ile290fs)

Gene: ZFHX4 (zinc finger homeobox 4; plus strand). Cytogenetic location: 8q21.13.
Variant type: Deletion.
Coding change: c.869del on transcript NM_024721.5 (MANE Select); coding-DNA position 869, one base deleted (T; older notation c.869delT).
Protein change: p.Ile290fs; shifts the reading frame from isoleucine 290.
Molecular consequence: frameshift variant.
Genome position (GRCh38, 1-based): chr8:76,704,957, T deleted. VCF-style (leftmost placement, unchanged base first): chr8-76704956-AT-A. GRCh37 (hg19) VCF-style: chr8-77617191-AT-A.
Other names: c.869del, p.Ile290fs (NM_001410934.1); short protein forms I290fs.
Identifiers: ClinVar variation 3900346 (VCV003900346.1).